The following is an entry in ClinVar:

NM_001193315.2(VIPAS39):c.1378C>T (p.Arg460Cys)

Gene: VIPAS39 (VPS33B interacting protein, apical-basolateral polarity regulator, spe-39 homolog; minus strand). Cytogenetic location: 14q24.3.
Variant type: single nucleotide variant.
Coding change: c.1378C>T on transcript NM_001193315.2 (MANE Select); coding-DNA position 1378, C replaced by T.
Protein change: p.Arg460Cys; replaces arginine 460 with cysteine.
Molecular consequence: missense variant. On other transcripts: non-coding transcript variant (1), intron variant (1).
Genome position (GRCh38, 1-based): chr14:77,428,453, G>A on the plus strand (C>T on the coding strand, the complement: VIPAS39 is on the minus strand). VCF-style: chr14-77428453-G-A. GRCh37 (hg19) VCF-style: chr14-77894796-G-A.
Other names: c.1378C>T, p.Arg460Cys (NM_001193314.2, NM_001193317.2, NM_001400326.1 and 1 more transcripts); c.1231C>T, p.Arg411Cys (NM_001193316.2, NM_001400324.1, NM_001400325.1); c.1345C>T, p.Arg449Cys (NM_001400327.1); c.1291C>T, p.Arg431Cys (NM_001400330.1, NM_001400331.1, NM_001400332.1); c.1285C>T, p.Arg429Cys (NM_001400333.1, NM_001400334.1); c.1243C>T, p.Arg415Cys (NM_001400336.1); c.1138C>T, p.Arg380Cys (NM_001400337.1); c.1099C>T, p.Arg367Cys (NM_001400338.1); and 2 more; short protein forms R367C, R380C, R415C, R429C, R460C, R411C, R431C, R365C.
Identifiers: ClinVar variation 4984496 (VCV004984496.1).
Genomic context (GRCh38, chr14:77,428,453, plus strand): 5'-TCTTCTCCTCCTCTGCTGATCCTTTATCTACCTTACTCCTGTATGCTAGCAACTGTTGAC[G>A]ATCCTTCAGGTCCCGGTAGGTCTGTGCATCAAAACAAACAATACAAACCTCCAATCAGCC-3'
Protein context (NP_001180244.1, residues 450-470): VIDTYRDLKD[Arg460Cys]QQLLAYRSKV

ClinVar aggregate classification (germline): Uncertain significance (1 of 4 stars; one submission).

Conditions:
VIPAS39-related disorder. Also called: VIPAS39-related condition.

gnomAD v4.1: 1 of 1,613,864 alleles (0.000062%); highest among the groups gnomAD compares: Non-Finnish European, 0.000085%; no homozygotes.

Submission:

PreventionGenetics, part of Exact Sciences
Classification: Uncertain significance for VIPAS39-related condition. Last evaluated: 2026-09-23. Review status: criteria provided, single submitter. Criteria: ACMG Guidelines, 2015. Collection method: clinical testing. Allele origin: germline.
Comment: The VIPAS39 c.1378C>T variant is predicted to result in the amino acid substitution p.Arg460Cys. To our knowledge, this variant has not been reported in the literature or in a large population database (gnomAD), indicating this variant is rare. At this time, the clinical significance of this variant is uncertain due to the absence of conclusive functional and genetic evidence.